The following is an entry in ClinVar:

ClinVar aggregate classification (germline): Likely pathogenic. Review status: criteria provided, multiple submitters, no conflicts (2 of 4 stars). 2 submissions from 2 submitters: Likely pathogenic (2). Last evaluated 2024-01-18.

Conditions:
CLCN1-related disorder. Also called: CLCN1-related condition.
Congenital myotonia, autosomal recessive form. Also called: Becker Generalized Myotonia; BECKER DISEASE; myotonia congenita, autosomal recessive. Identifiers: Orphanet 614, MedGen C0751360, MONDO:0009715, OMIM 255700.
Congenital myotonia, autosomal dominant form (THD). Also called: THOMSEN DISEASE; Myotonia congenita autosomal dominant. Identifiers: Orphanet 614, MedGen C2936781, MONDO:0008055, OMIM 160800.

Submissions (3):

Fulgent Genetics
Classification: Likely pathogenic for Congenital myotonia, autosomal dominant form; Congenital myotonia, autosomal recessive form. Last evaluated: 2024-01-18. Review status: criteria provided, single submitter. Criteria: ACMG Guidelines, 2015. Collection method: clinical testing. Allele origin: germline.

Blueprint Genetics
Classification: Likely pathogenic for CLCN1-related disorders. Last evaluated: 2020-03-04. Review status: criteria provided, single submitter. Criteria: ACMG Guidelines, 2015. Collection method: clinical testing. Allele origin: germline. Affected: yes. Observed: 1 variant allele.

Laboratory of Molecular Regulation of Neurogenesis, University of Liege
No classification provided (evidence only). Condition: Congenital myotonia, autosomal dominant form. Review status: no classification provided. Criteria: Jeng et al. (Front Neurol. 2020). Collection method: in vitro. Allele origin: not applicable. Functional consequence: Decreased function. Not counted in ClinVar's aggregate classification.
Comment: "Pathogenic" was previously submitted as the classification for the variant. However, the classification appeared to be based only on an observation of functional data so it was converted to no classification on 2025-07-30.

NM_000083.3(CLCN1):c.1010T>G (p.Phe337Cys)

Gene: CLCN1 (chloride voltage-gated channel 1; plus strand). Cytogenetic location: 7q34.
Variant type: single nucleotide variant.
Coding change: c.1010T>G on transcript NM_000083.3 (MANE Select); coding-DNA position 1010, T replaced by G.
Protein change: p.Phe337Cys; replaces phenylalanine 337 with cysteine.
Molecular consequence: missense variant. On other transcripts: non-coding transcript variant (1).
Genome position (GRCh38, 1-based): chr7:143,331,262, T>G. VCF-style: chr7-143331262-T-G. GRCh37 (hg19) VCF-style: chr7-143028355-T-G.
Other names: short protein forms F337C.
Identifiers: ClinVar variation 872915 (VCV000872915.5), dbSNP rs1802715644, ClinGen allele CA369641829.